The following is an entry in ClinVar:

NM_014889.4(PITRM1):c.2792C>T (p.Thr931Met)

Gene: PITRM1 (pitrilysin metallopeptidase 1; minus strand). Cytogenetic location: 10p15.2.
Variant type: single nucleotide variant.
Coding change: c.2792C>T on transcript NM_014889.4 (MANE Select); coding-DNA position 2792, C replaced by T.
Protein change: p.Thr931Met; replaces threonine 931 with methionine.
Molecular consequence: missense variant. On other transcripts: non-coding transcript variant (4).
Genome position (GRCh38, 1-based): chr10:3,139,029, G>A on the plus strand (C>T on the coding strand, the complement: PITRM1 is on the minus strand). VCF-style: chr10-3139029-G-A. GRCh37 (hg19) VCF-style: chr10-3181221-G-A.
Other names: c.2795C>T, p.Thr932Met (NM_001242307.2); c.2498C>T, p.Thr833Met (NM_001242309.1); c.2594C>T, p.Thr865Met (NM_001347725.2); c.1979C>T, p.Thr660Met (NM_001347726.2); c.2177C>T, p.Thr726Met (NM_001347727.2); c.1487C>T, p.Thr496Met (NM_001347728.2); c.2768C>T, p.Thr923Met (NM_001347729.1); c.2570C>T, p.Thr857Met (NM_001347730.1); short protein forms T931M, T496M, T660M, T726M, T833M, T857M, T865M, T923M.
Identifiers: ClinVar variation 1175724 (VCV001175724.5), dbSNP rs187308159, ClinGen allele CA5387204.

ClinVar aggregate classification (germline): Pathogenic/Likely pathogenic. Review status: criteria provided, multiple submitters, no conflicts (2 of 4 stars). 5 submissions from 5 submitters: Pathogenic (2); Likely pathogenic (2). 1 of the submissions does not count toward it. Last evaluated 2026-02-13.

Conditions:
Spinocerebellar ataxia, autosomal recessive 30. Identifiers: MedGen C5543620, MONDO:0030318, OMIM 619405.

Allele frequency attached by ClinVar (database versions not stated): gnomAD 0.00011 and 0.00012; TOPMed 0.00013; 1000 Genomes Project 30x 0.00031; ExAC 0.00010; gnomAD exomes 0.00010 and 0.00004; 1000 Genomes Project 0.00020.
gnomAD v4.1: 71 of 1,613,812 alleles (0.0044%); highest among the groups gnomAD compares: East Asian, 0.053%; no homozygotes.

Submissions (5):

OLLIN Analises Genomicas, OLLIN
Classification: Pathogenic for Spinocerebellar ataxia, autosomal recessive 30. Last evaluated: 2026-02-13. Review status: criteria provided, single submitter. Criteria: ACMG Guidelines 2015 PMID 25741868. Collection method: clinical testing. Allele origin: germline. Observed: 1 variant allele.
Comment: PS4_M, PM2_P, PM3_VS

First Genomix Gene Laboratory, Genetic Diagnostics Department
Classification: Likely pathogenic for Spinocerebellar ataxia, autosomal recessive 30. Last evaluated: 2025-10-21. Review status: criteria provided, single submitter. Criteria: ACMG Guidelines, 2015. Collection method: clinical testing. Allele origin: germline. Inheritance: Autosomal recessive inheritance. Affected: no. Observed: 1 variant allele.

Variantyx, Inc.
Classification: Likely pathogenic for Spinocerebellar ataxia, autosomal recessive 30. Last evaluated: 2025-09-21. Review status: criteria provided, single submitter. Criteria: Variantyx Assertion Criteria 2022. Collection method: clinical testing. Allele origin: maternal. Inheritance: Autosomal recessive inheritance. Affected: yes.
Comment: Pathogenic variants in this gene have been associated with autosomal recessive spinocerebellar ataxia 30 . This variant has been reported in the homozygous or compound heterozygous state in several unrelated affected individuals (PMID: 29764912) (PM3) abd has also been observed to segregate with disease in at least 3 individuals from 3 families (PMID: 29764912). Computational algorithms produce conflicting evidence regarding the predicted functional impact of this variant (REVEL score: 0.519), but functional studies have shown that this variant alters PITRM1 protein function (PMID: 29764912, 37576821) (PS3). This variant has a 0.1153% maximum allele frequency in non-founder control populations (PM2).Based on the current evidence, this variant is classified as likely pathogenic for autosomal recessive spinocerebellar ataxia 30.

Juno Genomics, Hangzhou Juno Genomics, Inc
Classification: Pathogenic for Spinocerebellar ataxia, autosomal recessive 30. Review status: criteria provided, single submitter. Criteria: ACMG Guidelines, 2015. Collection method: clinical testing. Allele origin: germline. Affected: yes.
Comment: Absent from controls (or at extremely low frequency if recessive) in Genome Aggregation Database, Exome Sequencing Project, 1000 Genomes Project, or Exome Aggregation Consortium.;For recessive disorders, detected in trans with a pathogenic variant.;Co-segregation with disease in multiple affected family members in a gene definitively known to cause the disease.;Patient's phenotype or family history is highly specific for a disease with a single genetic etiology.;Well-established in vitro or in vivo functional studies supportive of a damaging effect on the gene or gene product.

OMIM
Classification: Pathogenic for SPINOCEREBELLAR ATAXIA, AUTOSOMAL RECESSIVE 30. Last evaluated: 2021-07-06. Review status: no assertion criteria provided. Collection method: literature only. Allele origin: germline. Not counted in ClinVar's aggregate classification.

Literature cited by the submitters: PubMed 29764912 (cited by Variantyx, Inc. and OMIM); PubMed 37576821 (cited by Variantyx, Inc.).